The following is an entry in ClinVar:

NM_152384.3(BBS5):c.814A>G (p.Lys272Glu)

Gene: BBS5 (Bardet-Biedl syndrome 5; plus strand). Cytogenetic location: 2q31.1.
Variant type: single nucleotide variant.
Coding change: c.814A>G on transcript NM_152384.3 (MANE Select); coding-DNA position 814, A replaced by G.
Protein change: p.Lys272Glu; replaces lysine 272 with glutamic acid.
Molecular consequence: missense variant.
Genome position (GRCh38, 1-based): chr2:169,499,618, A>G. VCF-style: chr2-169499618-A-G. GRCh37 (hg19) VCF-style: chr2-170356128-A-G.
Other names: short protein forms K272E.
Identifiers: ClinVar variation 936428 (VCV000936428.7), dbSNP rs763705177, ClinGen allele CA1956321.

ClinVar aggregate classification (germline): Uncertain significance. Review status: criteria provided, multiple submitters, no conflicts (2 of 4 stars). 2 submissions from 2 submitters: Uncertain significance (2). Last evaluated 2025-07-28.

Conditions:
BBS5-related disorder. Also called: BBS5-related condition.
Bardet-Biedl syndrome (BBS). Identifiers: Orphanet 110, MedGen C0752166, MONDO:0015229.

gnomAD v4.1: 1 of 1,613,800 alleles (0.000062%); highest among the groups gnomAD compares: Non-Finnish European, 0.000085%; no homozygotes.

Submissions (2):

Labcorp Genetics (formerly Invitae), Labcorp
Classification: Uncertain significance for Bardet-Biedl syndrome. Last evaluated: 2025-07-28. Review status: criteria provided, single submitter. Criteria: Invitae Variant Classification Sherloc (09022015). Collection method: clinical testing. Allele origin: germline.
Comment: This sequence change replaces lysine, which is basic and polar, with glutamic acid, which is acidic and polar, at codon 272 of the BBS5 protein (p.Lys272Glu). This variant is present in population databases (rs763705177, gnomAD 0.007%). This variant has not been reported in the literature in individuals affected with BBS5-related conditions. ClinVar contains an entry for this variant (Variation ID: 936428). An algorithm developed to predict the effect of missense changes on protein structure and function (PolyPhen-2) suggests that this variant is likely to be disruptive. In summary, the available evidence is currently insufficient to determine the role of this variant in disease. Therefore, it has been classified as a Variant of Uncertain Significance.

PreventionGenetics, part of Exact Sciences
Classification: Uncertain significance for BBS5-related condition. Last evaluated: 2025-01-28. Review status: criteria provided, single submitter. Criteria: ACMG Guidelines, 2015. Collection method: clinical testing. Allele origin: germline.
Comment: The BBS5 c.814A>G variant is predicted to result in the amino acid substitution p.Lys272Glu. To our knowledge, this variant has not been reported in the literature. This variant is reported in 0.0015% of alleles in individuals of European (Non-Finnish) descent in gnomAD. At this time, the clinical significance of this variant is uncertain due to the absence of conclusive functional and genetic evidence.